The following is an entry in ClinVar:

NM_001037132.4(NRCAM):c.2201A>T (p.Glu734Val)

Gene: NRCAM (neuronal cell adhesion molecule; minus strand). Cytogenetic location: 7q31.1.
Variant type: single nucleotide variant.
Coding change: c.2201A>T on transcript NM_001037132.4 (MANE Select); coding-DNA position 2201, A replaced by T.
Protein change: p.Glu734Val; replaces glutamic acid 734 with valine.
Molecular consequence: missense variant. On other transcripts: non-coding transcript variant (5).
Genome position (GRCh38, 1-based): chr7:108,184,449, T>A on the plus strand (A>T on the coding strand, the complement: NRCAM is on the minus strand). VCF-style: chr7-108184449-T-A. GRCh37 (hg19) VCF-style: chr7-107824893-T-A.
Other names: c.2201A>T, p.Glu734Val (NM_001193582.2, NM_001371123.1, NM_001371128.1 and 10 more transcripts); c.2144A>T, p.Glu715Val (NM_001193583.2, NM_001193584.2, NM_001371119.1 and 22 more transcripts); c.1856A>T, p.Glu619Val (NM_001371125.1, NM_001371142.1, NM_001371143.1 and 2 more transcripts); c.2198A>T, p.Glu733Val (NM_001371127.1); c.2153A>T, p.Glu718Val (NM_001371130.1, NM_001371133.1, NM_001371136.1 and 8 more transcripts); c.2150A>T, p.Glu717Val (NM_001371134.1); c.1244A>T, p.Glu415Val (NM_001371137.1); c.2171A>T, p.Glu724Val (NM_001371159.1, NM_001371174.1, NM_001371150.1); and 3 more; short protein forms E415V, E619V, E628V, E699V, E715V, E717V, E718V, E724V.
Identifiers: ClinVar variation 2657943 (VCV002657943.24), dbSNP rs2065477733, ClinGen allele CA368890243.

ClinVar aggregate classification (germline): Uncertain significance (1 of 4 stars; one submission).

Submission:

CeGaT Center for Human Genetics Tuebingen
Classification: Uncertain significance. Last evaluated: 2023-09-01. Review status: criteria provided, single submitter. Criteria: CeGaT Center For Human Genetics Tuebingen Variant Classification Criteria Version 2. Collection method: clinical testing. Allele origin: germline. Affected: yes. Observed: 1 variant allele.
Comment: NRCAM: PM2, BP4